The following is an entry in ClinVar:

NM_000530.8(MPZ):c.89T>G (p.Ile30Ser)

Gene: MPZ (myelin protein zero; minus strand). Cytogenetic location: 1q23.3.
Variant type: single nucleotide variant.
Coding change: c.89T>G on transcript NM_000530.8 (MANE Select); coding-DNA position 89, T replaced by G.
Protein change: p.Ile30Ser; replaces isoleucine 30 with serine.
Molecular consequence: missense variant.
Genome position (GRCh38, 1-based): chr1:161,307,403, A>C on the plus strand (T>G on the coding strand, the complement: MPZ is on the minus strand). VCF-style: chr1-161307403-A-C. GRCh37 (hg19) VCF-style: chr1-161277193-A-C.
Other names: c.89T>G (LRG_256t1); c.89T>G, p.Ile30Ser (NM_001315491.2); short protein forms I30S.
Identifiers: ClinVar variation 637340 (VCV000637340.9), dbSNP rs281865121, ClinGen allele CA343351618.

ClinVar aggregate classification (germline): Likely pathogenic. Review status: criteria provided, single submitter (1 of 4 stars). 2 submissions from 2 submitters: Likely pathogenic (1). 1 of the submissions does not count toward it. Last evaluated 2020-03-10.

Conditions:
Charcot-Marie-Tooth disease, type I (CMT1). Also called: Charcot-Marie-Tooth disease type 1; Charcot-Marie-Tooth, Type 1. Identifiers: Orphanet 65753, MedGen C0751036, MONDO:0019011.
Charcot-Marie-Tooth disease. Also called: Charcot-Marie-Tooth Hereditary Neuropathy; Charcot-Marie-Tooth Neuropathy. Identifiers: Orphanet 166, MedGen C0007959, MONDO:0015626.

Submissions (2):

Labcorp Genetics (formerly Invitae), Labcorp
Classification: Likely pathogenic for Charcot-Marie-Tooth disease, type I. Last evaluated: 2020-03-10. Review status: criteria provided, single submitter. Criteria: Invitae Variant Classification Sherloc (09022015). Collection method: clinical testing. Allele origin: germline.
Comment: This variant disrupts the p.Ile30 amino acid residue in MPZ. Other variant(s) that disrupt this residue have been determined to be pathogenic (PMID: 7694726, 20461396, 17143884). This suggests that this residue is clinically significant, and that variants that disrupt this residue are likely to be disease-causing. Algorithms developed to predict the effect of missense changes on protein structure and function (SIFT, PolyPhen-2, Align-GVGD) all suggest that this variant is likely to be disruptive, but these predictions have not been confirmed by published functional studies and their clinical significance is uncertain. This variant has been observed in individual(s) with clinical features of Charcot-Marie-Tooth disease (PMID: 19259128, Invitae). ClinVar contains an entry for this variant (Variation ID: 637340). This variant is not present in population databases (ExAC no frequency). This sequence change replaces isoleucine with serine at codon 30 of the MPZ protein (p.Ile30Ser). The isoleucine residue is highly conserved and there is a large physicochemical difference between isoleucine and serine. In summary, the currently available evidence indicates that the variant is pathogenic, but additional data are needed to prove that conclusively. Therefore, this variant has been classified as Likely Pathogenic.

Inherited Neuropathy Consortium
Classification: Uncertain significance for Charcot-Marie-Tooth disease. Review status: no assertion criteria provided. Collection method: literature only. Allele origin: germline. Affected: yes. Not counted in ClinVar's aggregate classification.

Literature cited by the submitters: PubMed 7694726 (cited by Labcorp Genetics (formerly Invitae), Labcorp); PubMed 20461396 (cited by Labcorp Genetics (formerly Invitae), Labcorp); PubMed 17143884 (cited by Labcorp Genetics (formerly Invitae), Labcorp); PubMed 19259128 (cited by Labcorp Genetics (formerly Invitae), Labcorp and Inherited Neuropathy Consortium).